The following is an entry in ClinVar:

ClinVar aggregate classification (germline): Uncertain significance (1 of 4 stars; one submission).

Allele frequency attached by ClinVar (database versions not stated): TOPMed below 0.00001; gnomAD 0.00001.
gnomAD v4.1: 5 of 1,611,852 alleles (0.00031%); highest among the groups gnomAD compares: Non-Finnish European, 0.00042%; no homozygotes.

Submission:

Labcorp Genetics (formerly Invitae), Labcorp
Classification: Uncertain significance. Last evaluated: 2022-08-31. Review status: criteria provided, single submitter. Criteria: Invitae Variant Classification Sherloc (09022015). Collection method: clinical testing. Allele origin: germline.
Comment: This sequence change replaces histidine, which is basic and polar, with glutamine, which is neutral and polar, at codon 253 of the COL9A1 protein (p.His253Gln). This variant is not present in population databases (gnomAD no frequency). This variant has not been reported in the literature in individuals affected with COL9A1-related conditions. ClinVar contains an entry for this variant (Variation ID: 1442814). Advanced modeling of protein sequence and biophysical properties (such as structural, functional, and spatial information, amino acid conservation, physicochemical variation, residue mobility, and thermodynamic stability) performed at Invitae indicates that this missense variant is not expected to disrupt COL9A1 protein function. In summary, the available evidence is currently insufficient to determine the role of this variant in disease. Therefore, it has been classified as a Variant of Uncertain Significance.

NM_001851.6(COL9A1):c.759T>A (p.His253Gln)

Gene: COL9A1 (collagen type IX alpha 1 chain; minus strand). Cytogenetic location: 6q13.
Variant type: single nucleotide variant.
Coding change: c.759T>A on transcript NM_001851.6 (MANE Select); coding-DNA position 759, T replaced by A.
Protein change: p.His253Gln; replaces histidine 253 with glutamine.
Molecular consequence: missense variant.
Genome position (GRCh38, 1-based): chr6:70,283,758, A>T on the plus strand (T>A on the coding strand, the complement: COL9A1 is on the minus strand). VCF-style: chr6-70283758-A-T. GRCh37 (hg19) VCF-style: chr6-70993461-A-T.
Other names: c.759T>A, p.His253Gln (NM_001377291.1); short protein forms H253Q.
Identifiers: ClinVar variation 1442814 (VCV001442814.3), dbSNP rs1264012472, ClinGen allele CA364667173.
Genomic context (GRCh38, chr6:70,283,758, plus strand): 5'-TGGGTAGAAGTGGCCTTTGCAGGTAGTCAGGGGACTCACCGTTATTCTGGCTGGCAGCTC[A>T]TGGCAAGTTTCTCTCCTGGGCCGCAGGGGGTCACAATGGATCAGCATCCATTGAAGTTCA-3'
Protein context (NP_001842.3, residues 243-263): DPLRPRRETC[His253Gln]ELPARITPSQ